The following is an entry in ClinVar:

ClinVar aggregate classification (germline): Uncertain significance (1 of 4 stars; one submission).

Conditions:
Focal segmental glomerulosclerosis 7 (FSGS7). Identifiers: Orphanet 656, MedGen C4014925, MONDO:0014451, OMIM 616002.
Renal coloboma syndrome (PAPRS). Also called: PAPILLORENAL SYNDROME; PAPILLORENAL SYNDROME WITH MILD OCULAR ABNORMALITIES; CONGENITAL ANOMALIES OF THE KIDNEY AND URINARY TRACT WITH OR WITHOUT OCULAR ABNORMALITIES; CAKUT WITH OR WITHOUT OCULAR ABNORMALITIES; COLOBOMA OF OPTIC NERVE WITH RENAL DISEASE; OPTIC COLOBOMA, VESICOURETERAL REFLUX, AND RENAL ANOMALIES. Identifiers: Orphanet 1475, MedGen C1852759, MONDO:0007352, OMIM 120330.

Allele frequency attached by ClinVar (database versions not stated): gnomAD exomes below 0.00001; TOPMed below 0.00001; gnomAD 0.00001.
gnomAD v4.1: 2 of 1,613,020 alleles (0.00012%); highest among the groups gnomAD compares: East Asian, 0.0022%; no homozygotes.

Submission:

Labcorp Genetics (formerly Invitae), Labcorp
Classification: Uncertain significance for Renal coloboma syndrome; Focal segmental glomerulosclerosis 7. Last evaluated: 2021-03-12. Review status: criteria provided, single submitter. Criteria: Invitae Variant Classification Sherloc (09022015). Collection method: clinical testing. Allele origin: germline.
Comment: In summary, the available evidence is currently insufficient to determine the role of this variant in disease. Therefore, it has been classified as a Variant of Uncertain Significance. Nucleotide substitutions within the consensus splice site are a relatively common cause of aberrant splicing (PMID: 17576681, 9536098). Algorithms developed to predict the effect of sequence changes on RNA splicing suggest that this variant is not likely to affect RNA splicing, but this prediction has not been confirmed by published transcriptional studies. This variant has not been reported in the literature in individuals with PAX2-related conditions. This variant is not present in population databases (ExAC no frequency). This sequence change falls in intron 6 of the PAX2 gene. It does not directly change the encoded amino acid sequence of the PAX2 protein. It affects a nucleotide within the consensus splice site of the intron.

Literature cited by the submitters: PubMed 17576681; PubMed 9536098.

NM_000278.5(PAX2):c.793-3C>T

Gene: PAX2 (paired box 2; plus strand). Cytogenetic location: 10q24.31.
Variant type: single nucleotide variant.
Coding change: c.793-3C>T on transcript NM_000278.5 (MANE Select); 3 bases into the intron before coding-DNA position 793, C replaced by T.
Molecular consequence: intron variant.
Genome position (GRCh38, 1-based): chr10:100,809,107, C>T. VCF-style: chr10-100809107-C-T. GRCh37 (hg19) VCF-style: chr10-102568864-C-T.
Other names: c.886-3C>T (NM_001304569.2); c.862-3C>T (NM_003987.5, NM_003990.5); c.793-3C>T (NM_003988.5, NM_003989.5).
Identifiers: ClinVar variation 1487327 (VCV001487327.6), dbSNP rs1291270344, ClinGen allele CA595618779.
Genomic context (GRCh38, chr10:100,809,107, plus strand): 5'-ACACCGAGCCCTTTCTCTGTGCGTGCATCAATAGAGAGCTGTCACTTTTCTCTCTCCTCC[C>T]AGGGGAACGAGTACTCCCTCCCAGCCCTGACCCCTGGGCTTGATGAAGTCAAGTCGAGTC-3'